The following is an entry in ClinVar:

ClinVar aggregate classification (germline): Uncertain significance (1 of 4 stars; one submission).

Conditions:
Inborn genetic diseases. Identifiers: MedGen C0950123, MeSH D030342.

gnomAD v4.1: 1 of 1,614,104 alleles (0.000062%); highest among the groups gnomAD compares: Non-Finnish European, 0.000085%; no homozygotes.

Submission:

Ambry Genetics
Classification: Uncertain significance for Inborn genetic diseases. Last evaluated: 2026-08-15. Review status: criteria provided, single submitter. Criteria: Ambry Variant Classification Scheme 2023. Collection method: clinical testing. Allele origin: germline.
Comment: The p.T1012K variant (also known as c.3035C>A), located in coding exon 31 of the FANCA gene, results from a C to A substitution at nucleotide position 3035. The threonine at codon 1012 is replaced by lysine, an amino acid with similar properties. This amino acid position is conserved. In addition, this alteration is predicted to be tolerated by in silico analysis. Based on the available evidence, the clinical significance of this variant remains unclear.

NM_000135.4(FANCA):c.3035C>A (p.Thr1012Lys)

Gene: FANCA (FA complementation group A; minus strand). Cytogenetic location: 16q24.3.
Variant type: single nucleotide variant.
Coding change: c.3035C>A on transcript NM_000135.4 (MANE Select); coding-DNA position 3035, C replaced by A.
Protein change: p.Thr1012Lys; replaces threonine 1012 with lysine.
Molecular consequence: missense variant.
Genome position (GRCh38, 1-based): chr16:89,752,169, G>T on the plus strand (C>A on the coding strand, the complement: FANCA is on the minus strand). VCF-style: chr16-89752169-G-T. GRCh37 (hg19) VCF-style: chr16-89818577-G-T.
Other names: c.3035C>A, p.Thr1012Lys (NM_001286167.3); short protein forms T1012K.
Identifiers: ClinVar variation 3848313 (VCV003848313.2).